The following is an entry in ClinVar:

NM_005251.3(FOXC2):c.1337C>T (p.Thr446Ile)

Gene: FOXC2 (forkhead box C2; plus strand). Cytogenetic location: 16q24.1.
Variant type: single nucleotide variant.
Coding change: c.1337C>T on transcript NM_005251.3 (MANE Select); coding-DNA position 1337, C replaced by T.
Protein change: p.Thr446Ile; replaces threonine 446 with isoleucine.
Molecular consequence: missense variant.
Genome position (GRCh38, 1-based): chr16:86,568,672, C>T. VCF-style: chr16-86568672-C-T. GRCh37 (hg19) VCF-style: chr16-86602278-C-T.
Other names: c.1337C>T (NM_005251.2); short protein forms T446I.
Identifiers: ClinVar variation 4888209 (VCV004888209.1).

ClinVar aggregate classification (germline): Uncertain significance (1 of 4 stars; one submission).

gnomAD v4.1: 1 of 1,612,914 alleles (0.000062%); highest among the groups gnomAD compares: Non-Finnish European, 0.000085%; no homozygotes.

Submission:

GeneDx
Classification: Uncertain significance. Last evaluated: 2026-02-01. Review status: criteria provided, single submitter. Criteria: GeneDx Variant Classification Process June 2021. Collection method: clinical testing. Allele origin: germline.
Comment: Not observed at significant frequency in large population cohorts (gnomAD); In silico analysis suggests that this missense variant does not alter protein structure/function; Has not been previously published as pathogenic or benign to our knowledge